The following is an entry in ClinVar:

NM_006496.4(GNAI3):c.853A>G (p.Ile285Val)

Gene: GNAI3 (G protein subunit alpha i3; plus strand). Cytogenetic location: 1p13.3.
Variant type: single nucleotide variant.
Coding change: c.853A>G on transcript NM_006496.4 (MANE Select); coding-DNA position 853, A replaced by G.
Protein change: p.Ile285Val; replaces isoleucine 285 with valine.
Molecular consequence: missense variant.
Genome position (GRCh38, 1-based): chr1:109,586,861, A>G. VCF-style: chr1-109586861-A-G. GRCh37 (hg19) VCF-style: chr1-110129483-A-G.
Other names: short protein forms I285V.
Identifiers: ClinVar variation 3700482 (VCV003700482.2).

ClinVar aggregate classification (germline): Uncertain significance (1 of 4 stars; one submission).

gnomAD v4.1: 2 of 1,601,926 alleles (0.00012%); highest among the groups gnomAD compares: East Asian, 0.0045%; no homozygotes.

Submission:

Labcorp Genetics (formerly Invitae), Labcorp
Classification: Uncertain significance. Last evaluated: 2024-12-21. Review status: criteria provided, single submitter. Criteria: Invitae Variant Classification Sherloc (09022015). Collection method: clinical testing. Allele origin: germline.
Comment: This sequence change replaces isoleucine, which is neutral and non-polar, with valine, which is neutral and non-polar, at codon 285 of the GNAI3 protein (p.Ile285Val). This variant is present in population databases (no rsID available, gnomAD 0.06%). This variant has not been reported in the literature in individuals affected with GNAI3-related conditions. Invitae Evidence Modeling of protein sequence and biophysical properties (such as structural, functional, and spatial information, amino acid conservation, physicochemical variation, residue mobility, and thermodynamic stability) indicates that this missense variant is not expected to disrupt GNAI3 protein function with a negative predictive value of 80%. In summary, the available evidence is currently insufficient to determine the role of this variant in disease. Therefore, it has been classified as a Variant of Uncertain Significance.